The following is an entry in ClinVar:

NM_006390.4(IPO8):c.1000dup (p.Val334fs)

Gene: IPO8 (importin 8; minus strand). Cytogenetic location: 12p11.21.
Variant type: Duplication.
Coding change: c.1000dup on transcript NM_006390.4 (MANE Select); coding-DNA position 1000, one base duplicated (G; older notation c.1000dupG).
Protein change: p.Val334fs; shifts the reading frame from valine 334.
Molecular consequence: frameshift variant.
Genome position (GRCh38, 1-based): chr12:30,671,006, C duplicated on the plus strand (G on the coding strand, the reverse complement: IPO8 is on the minus strand); the first of 4 consecutive C bases (chr12:30,671,006-30,671,009); duplicating any one gives the same sequence. VCF-style (leftmost placement, unchanged base first): chr12-30671005-A-AC. GRCh37 (hg19) VCF-style: chr12-30823939-A-AC.
Other names: c.385dup, p.Val129fs (NM_001190995.2); short protein forms V129fs, V334fs.
Identifiers: ClinVar variation 1047910 (VCV001047910.2), dbSNP rs2136158926, ClinGen allele CA2499221610.

ClinVar aggregate classification (germline): Pathogenic (1 of 4 stars; one submission).

Conditions:
IPO8-related aortopathy.

Submission:

Centre of Medical Genetics, University of Antwerp
Classification: Pathogenic for IPO8-related aortopathy. Last evaluated: 2021-03-18. Review status: criteria provided, single submitter. Criteria: ACMG Guidelines, 2015. Collection method: research. Allele origin: paternal. Affected: yes.
Comment: PVS1, PM2, PM3

Literature cited by the submitters: PubMed 34010605.